The following is an entry in ClinVar:

ClinVar aggregate classification (germline): Benign/Likely benign. Review status: criteria provided, multiple submitters, no conflicts (2 of 4 stars). 8 submissions from 8 submitters: Benign (3); Likely benign (5). Last evaluated 2026-01-19.

Conditions:
Hereditary cancer-predisposing syndrome. Also called: Hereditary neoplastic syndrome; Tumor predisposition; Neoplastic Syndromes, Hereditary; Hereditary Cancer Syndrome. Identifiers: Orphanet 140162, MedGen C0027672, MeSH D009386, MONDO:0015356.
Tuberous sclerosis syndrome (TSC). Also called: Tuberous sclerosis; Tuberous Sclerosis Complex. Identifiers: Orphanet 805, MedGen C0041341, MONDO:0001734.
Tuberous sclerosis 2 (TSC2). Identifiers: Orphanet 805, MedGen C1860707, MONDO:0013199, OMIM 613254.

Allele frequency attached by ClinVar (database versions not stated): ExAC 0.00001; TOPMed 0.00002; gnomAD 0.00003.

Submissions (8):

Labcorp Genetics (formerly Invitae), Labcorp
Classification: Benign for Tuberous sclerosis 2. Last evaluated: 2026-01-19. Review status: criteria provided, single submitter. Criteria: Invitae Variant Classification Sherloc (09022015). Collection method: clinical testing. Allele origin: germline.

Myriad Genetics, Inc.
Classification: Benign for Tuberous sclerosis 2. Last evaluated: 2025-05-13. Review status: criteria provided, single submitter. Criteria: Myriad Autosomal Dominant, Autosomal Recessive and X-Linked Classification Criteria (2023). Collection method: clinical testing. Allele origin: unknown.
Comment: This variant is considered benign. This variant is a silent/synonymous amino acid change and it is not expected to impact splicing.

All of Us Research Program, National Institutes of Health
Classification: Likely benign for Tuberous sclerosis syndrome. Last evaluated: 2023-12-18. Review status: criteria provided, single submitter. Criteria: ACMG Guidelines, 2015. Collection method: clinical testing. Allele origin: germline. Inheritance: Autosomal dominant inheritance. Observed: 9 variant alleles, 9 heterozygotes.
Comment: This study involves interpretation of variants in research participants for the purpose of population health screening. Participant phenotype was not available at the time of variant classification. Additional details can be found in publication PMID: 35346344, PMCID: PMC8962531

Color Diagnostics, LLC DBA Color Health
Classification: Likely benign for Tuberous sclerosis syndrome. Last evaluated: 2022-09-15. Review status: criteria provided, single submitter. Criteria: ACMG Guidelines, 2015. Collection method: clinical testing. Allele origin: germline.

Genome-Nilou Lab
Classification: Benign for Tuberous sclerosis 2. Last evaluated: 2021-11-07. Review status: criteria provided, single submitter. Criteria: ACMG Guidelines, 2015. Collection method: clinical testing. Allele origin: germline. Affected: no.

Sema4
Classification: Likely benign for Hereditary cancer-predisposing syndrome. Last evaluated: 2021-09-01. Review status: criteria provided, single submitter. Criteria: Sema4 Curation Guidelines. Collection method: curation. Allele origin: germline.

Ambry Genetics
Classification: Likely benign for Hereditary cancer-predisposing syndrome. Last evaluated: 2019-01-09. Review status: criteria provided, single submitter. Criteria: Ambry Variant Classification Scheme 2023. Collection method: clinical testing. Allele origin: germline.

GeneDx
Classification: Likely benign. Last evaluated: 2018-05-21. Review status: criteria provided, single submitter. Criteria: GeneDx Variant Classification Process June 2021. Collection method: clinical testing. Allele origin: germline. Affected: yes.
Comment: This variant is associated with the following publications: (PMID: 17304050, 10732801)

NM_000548.5(TSC2):c.1029C>A (p.Thr343=)

Gene: TSC2 (TSC complex subunit 2; plus strand). Cytogenetic location: 16p13.3.
Variant type: single nucleotide variant.
Coding change: c.1029C>A on transcript NM_000548.5 (MANE Select); coding-DNA position 1029, C replaced by A.
Protein change: p.Thr343=; no amino-acid change (threonine 343 retained).
Molecular consequence: synonymous variant.
Genome position (GRCh38, 1-based): chr16:2,060,723, C>A. VCF-style: chr16-2060723-C-A. GRCh37 (hg19) VCF-style: chr16-2110724-C-A.
Other names: c.1029C>A, p.Thr343= (NM_001077183.3, NM_001114382.3, NM_001363528.2 and 3 more transcripts); c.918C>A, p.Thr306= (NM_001318827.2); c.882C>A, p.Thr294= (NM_001318829.2); c.429C>A, p.Thr143= (NM_001318831.2); c.1062C>A, p.Thr354= (NM_001318832.2).
Identifiers: ClinVar variation 378773 (VCV000378773.23), dbSNP rs45468201, ClinGen allele CA028015.